The following is an entry in ClinVar:

ClinVar aggregate classification (germline): Uncertain significance (1 of 4 stars; one submission).

Conditions:
Cornelia de Lange syndrome 1 (CDLS1). Also called: Brachmann de Lange syndrome; NIPBL-Related Cornelia de Lange Syndrome; TYPUS DEGENERATIVUS AMSTELODAMENSIS. Identifiers: Orphanet 199, MedGen C4551851, MONDO:0007387, OMIM 122470.

Submission:

Labcorp Genetics (formerly Invitae), Labcorp
Classification: Uncertain significance for Cornelia de Lange syndrome 1. Last evaluated: 2024-09-05. Review status: criteria provided, single submitter. Criteria: Invitae Variant Classification Sherloc (09022015). Collection method: clinical testing. Allele origin: germline.
Comment: This sequence change falls in intron 26 of the NIPBL gene. It does not directly change the encoded amino acid sequence of the NIPBL protein. It affects a nucleotide within the consensus splice site. This variant is not present in population databases (gnomAD no frequency). This variant has not been reported in the literature in individuals affected with NIPBL-related conditions. ClinVar contains an entry for this variant (Variation ID: 2007011). Variants that disrupt the consensus splice site are a relatively common cause of aberrant splicing (PMID: 17576681, 9536098). Algorithms developed to predict the effect of sequence changes on RNA splicing suggest that this variant is not likely to affect RNA splicing. In summary, the available evidence is currently insufficient to determine the role of this variant in disease. Therefore, it has been classified as a Variant of Uncertain Significance.

Literature cited by the submitters: PubMed 17576681; PubMed 9536098.

NM_133433.4(NIPBL):c.5226-3C>T

Gene: NIPBL (NIPBL cohesin loading factor; plus strand). Cytogenetic location: 5p13.2.
Variant type: single nucleotide variant.
Coding change: c.5226-3C>T on transcript NM_133433.4 (MANE Select); 3 bases into the intron before coding-DNA position 5226, C replaced by T.
Molecular consequence: intron variant.
Genome position (GRCh38, 1-based): chr5:37,020,772, C>T. VCF-style: chr5-37020772-C-T. GRCh37 (hg19) VCF-style: chr5-37020874-C-T.
Other names: c.5226-3C>T (NM_015384.5).
Identifiers: ClinVar variation 2007011 (VCV002007011.4), dbSNP rs2478320117, ClinGen allele CA2580073213.